The following is an entry in ClinVar:

NM_000219.6(KCNE1):c.82T>A (p.Ser28Thr)

Gene: KCNE1 (potassium voltage-gated channel subfamily E regulatory subunit 1; minus strand). Cytogenetic location: 21q22.12.
Variant type: single nucleotide variant.
Coding change: c.82T>A on transcript NM_000219.6 (MANE Select); coding-DNA position 82, T replaced by A.
Protein change: p.Ser28Thr; replaces serine 28 with threonine.
Molecular consequence: missense variant.
Genome position (GRCh38, 1-based): chr21:34,449,553, A>T on the plus strand (T>A on the coding strand, the complement: KCNE1 is on the minus strand). VCF-style: chr21-34449553-A-T. GRCh37 (hg19) VCF-style: chr21-35821851-A-T.
Other names: c.82T>A, p.Ser28Thr (NM_001127668.4, NM_001127669.4, NM_001127670.4 and 4 more transcripts); short protein forms S28T.
Identifiers: ClinVar variation 3373997 (VCV003373997.2).

Conditions:
Long QT syndrome 5 (LQT5). Identifiers: Orphanet 101016, Orphanet 768, MedGen C1867904, MONDO:0013372, OMIM 613695.

Submission:

Roden Lab, Vanderbilt University Medical Center
No classification provided (evidence only). Condition: Long QT syndrome 5. Review status: no classification provided. Collection method: in vitro. Allele origin: not applicable. Functional consequence: Effect on ion channel function.
ClinVar note: "not provided" was previously submitted as the classification for the variant. However, the classification appeared to be based only on an observation of functional data so it was converted to no classification on 2025-07-30.